The following is an entry in ClinVar:

ClinVar aggregate classification (germline): Uncertain significance (1 of 4 stars; one submission).

Conditions:
Neuronal ceroid lipofuscinosis 1 (CLN1). Also called: CEROID LIPOFUSCINOSIS, NEURONAL, 1, VARIABLE AGE AT ONSET; PPT1-Related Neuronal Ceroid-Lipofuscinosis. Identifiers: Orphanet 228329, MedGen C1850451, MONDO:0009744, OMIM 256730.

Submission:

Labcorp Genetics (formerly Invitae), Labcorp
Classification: Uncertain significance for Neuronal ceroid lipofuscinosis 1. Last evaluated: 2019-07-09. Review status: criteria provided, single submitter. Criteria: Invitae Variant Classification Sherloc (09022015). Collection method: clinical testing. Allele origin: germline.
Comment: This variant has not been reported in the literature in individuals with PPT1-related conditions. This sequence change replaces leucine with valine at codon 14 of the PPT1 protein (p.Leu14Val). The leucine residue is moderately conserved and there is a small physicochemical difference between leucine and valine. This variant is not present in population databases (ExAC no frequency). Algorithms developed to predict the effect of missense changes on protein structure and function (SIFT, PolyPhen-2, Align-GVGD) all suggest that this variant is likely to be tolerated, but these predictions have not been confirmed by published functional studies and their clinical significance is uncertain. In summary, the available evidence is currently insufficient to determine the role of this variant in disease. Therefore, it has been classified as a Variant of Uncertain Significance.

NM_000310.4(PPT1):c.40C>G (p.Leu14Val)

Gene: PPT1 (palmitoyl-protein thioesterase 1; minus strand). Cytogenetic location: 1p34.2.
Variant type: single nucleotide variant.
Coding change: c.40C>G on transcript NM_000310.4 (MANE Select); coding-DNA position 40, C replaced by G.
Protein change: p.Leu14Val; replaces leucine 14 with valine.
Molecular consequence: missense variant.
Genome position (GRCh38, 1-based): chr1:40,097,199, G>C on the plus strand (C>G on the coding strand, the complement: PPT1 is on the minus strand). VCF-style: chr1-40097199-G-C. GRCh37 (hg19) VCF-style: chr1-40562871-G-C.
Other names: c.40C>G, p.Leu14Val (NM_001142604.2, NM_001363695.2); short protein forms L14V.
Identifiers: ClinVar variation 948146 (VCV000948146.9), dbSNP rs550492793, ClinGen allele CA339850811.